The following is an entry in ClinVar:

ClinVar aggregate classification (germline): Uncertain significance (3 of 4 stars; one submission).

Conditions:
Monogenic diabetes. Identifiers: Orphanet 183625, MedGen C3888631, MONDO:0015967.

Submission:

ClinGen Monogenic Diabetes Variant Curation Expert Panel
Classification: Uncertain significance for Monogenic diabetes. Last evaluated: 2025-06-09. Review status: reviewed by expert panel. Criteria: ClinGen Diabetes ACMG Specifications HNF1A V2.1.0. Collection method: curation. Allele origin: germline. Inheritance: Autosomal dominant inheritance.
Comment: The c.46C>G variant in the HNF1 homeobox A gene, HNF1A, causes an amino acid change of leucine to valine at codon 16 (p.(Leu16Val)) of NM_000545.8. This variant is absent from gnomAD v.2.1.1 and v4.1 (PM2_Supporting). This variant is located within the dimerization domain (codons 1-32) of HNF1A, which is defined as critical for the protein’s function by the ClinGen MDEP (PM1_Supporting). Lastly, this variant is predicted to be deleterious by computational evidence, with a REVEL score of 0.814, which is greater than the MDEP threshold of 0.70 (PP3). This variant was identified in an individual(s) with diabetes; however, the calculated MODY probability is <50% (internal lab contributors). In summary, this variant meets the criteria to be classified as a variant of uncertain significance for monogenic diabetes. ACMG/AMP criteria applied, as specified by the ClinGen MDEP (specification version 2.1.0, approved 8/11/2023): PM2_Supporting, PM1_Supporting, PP3.

NM_000545.8(HNF1A):c.46C>G (p.Leu16Val)

Gene: HNF1A (HNF1 homeobox A; plus strand). Cytogenetic location: 12q24.31.
Variant type: single nucleotide variant.
Coding change: c.46C>G on transcript NM_000545.8 (MANE Select); coding-DNA position 46, C replaced by G.
Protein change: p.Leu16Val; replaces leucine 16 with valine.
Molecular consequence: missense variant.
Genome position (GRCh38, 1-based): chr12:120,978,814, C>G. VCF-style: chr12-120978814-C-G. GRCh37 (hg19) VCF-style: chr12-121416617-C-G.
Other names: NM_001306179.2:c.46C>G; c.46C>G, p.Leu16Val (NM_001306179.2); short protein forms L16V.
Identifiers: ClinVar variation 1675054 (VCV001675054.4), dbSNP rs2135819447, ClinGen allele CA386952499.